The following is an entry in ClinVar:

NM_001844.5(COL2A1):c.2464-1G>C

Gene: COL2A1 (collagen type II alpha 1 chain; minus strand). Cytogenetic location: 12q13.11.
Variant type: single nucleotide variant.
Coding change: c.2464-1G>C on transcript NM_001844.5 (MANE Select); the canonical splice acceptor site of the intron before coding-DNA position 2464, G replaced by C.
Molecular consequence: splice acceptor variant.
Genome position (GRCh38, 1-based): chr12:47,980,969, C>G on the plus strand (G>C on the coding strand, the complement: COL2A1 is on the minus strand). VCF-style: chr12-47980969-C-G. GRCh37 (hg19) VCF-style: chr12-48374752-C-G.
Other names: c.2257-1G>C (NM_033150.3).
Identifiers: ClinVar variation 4995113 (VCV004995113.1).
Genomic context (GRCh38, chr12:47,980,969, plus strand): 5'-ACTCACAGGAGGCCCAGCAAATCCCGCTGGTCCGGGGGGCCCAGTCTCTCCACGTTCACC[C>G]TGTGAGAGAAGGGGGCATGGCGAGAGGTCAGGCCCCGCTGCCTGACCTGCTTCTGCTCCC-3'

ClinVar aggregate classification (germline): Likely pathogenic (1 of 4 stars; one submission).

Conditions:
COL2A1-related disorder. Also called: COL2A1-related condition; COL2A1-related disorders.

Submission:

PreventionGenetics, part of Exact Sciences
Classification: Likely pathogenic for COL2A1-related condition. Last evaluated: 2026-02-13. Review status: criteria provided, single submitter. Criteria: ACMG Guidelines, 2015. Collection method: clinical testing. Allele origin: germline.
Comment: The COL2A1 c.2464-1G>C variant is predicted to disrupt the AG splice acceptor site and interfere with normal splicing. To our knowledge, this variant has not been reported in the literature or in a large population database (gnomAD), indicating this variant is rare. Variants that disrupt the consensus splice acceptor site in COL2A1 are expected to be pathogenic. This variant is interpreted as likely pathogenic.